The following is an entry in ClinVar:

NM_014727.3(KMT2B):c.4857C>T (p.Phe1619=)

Gene: KMT2B (lysine methyltransferase 2B; plus strand). Cytogenetic location: 19q13.12.
Variant type: single nucleotide variant.
Coding change: c.4857C>T on transcript NM_014727.3 (MANE Select); coding-DNA position 4857, C replaced by T.
Protein change: p.Phe1619=; no amino-acid change (phenylalanine 1619 retained).
Molecular consequence: synonymous variant.
Genome position (GRCh38, 1-based): chr19:35,729,236, C>T. VCF-style: chr19-35729236-C-T. GRCh37 (hg19) VCF-style: chr19-36220137-C-T.
Identifiers: ClinVar variation 1566311 (VCV001566311.13), dbSNP rs370642497, ClinGen allele CA9385233.
Genomic context (GRCh38, chr19:35,729,236, plus strand): 5'-GTACATCGGGCAGAACGAGTGGACACACGTCAACTGTGCCATCTGGTCGGCGGAAGTCTT[C>T]GAGGAGAACGACGGCTCCCTCAAGAATGTGCATGCTGCTGTGGCCCGAGGGAGGCAGATG-3'
Protein context (NP_055542.1, residues 1609-1629): VNCAIWSAEV[Phe1619=]EENDGSLKNV

ClinVar aggregate classification (germline): Benign/Likely benign. Review status: criteria provided, multiple submitters, no conflicts (2 of 4 stars). 2 submissions from 2 submitters: Benign (1); Likely benign (1). Last evaluated 2026-01-07.

Allele frequency attached by ClinVar (database versions not stated): gnomAD exomes 0.00004 and 0.00011; ExAC 0.00015; gnomAD 0.00035 and 0.00039; 1000 Genomes Project 0.00040; TOPMed 0.00042; 1000 Genomes Project 30x 0.00047; ESP Exome Variant Server 0.00047.
gnomAD v4.1: 116 of 1,607,772 alleles (0.0072%); highest among the groups gnomAD compares: African/African-American, 0.11%; no homozygotes.

Submissions (2):

Labcorp Genetics (formerly Invitae), Labcorp
Classification: Benign. Last evaluated: 2026-01-07. Review status: criteria provided, single submitter. Criteria: Invitae Variant Classification Sherloc (09022015). Collection method: clinical testing. Allele origin: germline.

CeGaT Center for Human Genetics Tuebingen
Classification: Likely benign. Last evaluated: 2026-01-01. Review status: criteria provided, single submitter. Criteria: CeGaT Center For Human Genetics Tuebingen Variant Classification Criteria Version 2. Collection method: clinical testing. Allele origin: germline. Affected: yes. Observed: 1 variant allele.
Comment: KMT2B: BP4, BP7